The following is an entry in ClinVar:

NM_000059.4(BRCA2):c.6388_6392del (p.Phe2130fs)

Gene: BRCA2 (BRCA2 DNA repair associated; plus strand). Cytogenetic location: 13q13.1.
Variant type: Deletion.
Coding change: c.6388_6392del on transcript NM_000059.4 (MANE Select); coding-DNA positions 6388 to 6392, 5 bases deleted (TTTAA; older notation c.6388_6392delTTTAA).
Protein change: p.Phe2130fs; shifts the reading frame from phenylalanine 2130.
Molecular consequence: frameshift variant.
Genome position (GRCh38, 1-based): chr13:32,340,743-32,340,747, TTTAA deleted; deleting any 5 consecutive bases within chr13:32,340,741-32,340,747 gives the same sequence; the c. name uses the placement nearest the transcript's 3' end. VCF-style (leftmost placement, unchanged base first): chr13-32340740-GAATTT-G. GRCh37 (hg19) VCF-style: chr13-32914877-GAATTT-G.
Other names: short protein forms F2130fs.
Identifiers: ClinVar variation 1455145 (VCV001455145.7), dbSNP rs2137526969, ClinGen allele CA2573149192.

ClinVar aggregate classification (germline): Pathogenic. Review status: criteria provided, multiple submitters, no conflicts (2 of 4 stars). 2 submissions from 2 submitters: Pathogenic (2). Last evaluated 2024-05-27.

Conditions:
Hereditary breast ovarian cancer syndrome. Also called: Hereditary breast and ovarian cancer syndrome; BRCA1- and BRCA2-Associated Hereditary Breast and Ovarian Cancer; Breast and ovarian cancer; Hereditary breast and ovarian cancer syndrome (HBOC); Hereditary breast and/or ovarian cancer syndrome; Hereditary breast and ovarian cancer. Identifiers: Orphanet 145, MedGen C0677776, MeSH D061325, MONDO:0003582. Disease mechanism: loss of function.
Breast-ovarian cancer, familial, susceptibility to, 2 (BROVCA2). Also called: BRCA2 Hereditary Breast and Ovarian Cancer. Identifiers: Orphanet 145, MedGen C2675520, MONDO:0012933, OMIM 612555. Disease mechanism: loss of function.

Submissions (2):

Department of Clinical Genetics, Copenhagen University Hospital, Rigshospitalet
Classification: Pathogenic for Breast-ovarian cancer, familial, susceptibility to, 2. Last evaluated: 2024-05-27. Review status: criteria provided, single submitter. Criteria: ACMG Guidelines, 2015. Collection method: clinical testing. Allele origin: germline. Affected: yes.
Comment: PVS1; PM5_PTC_Strong

Labcorp Genetics (formerly Invitae), Labcorp
Classification: Pathogenic for Hereditary breast ovarian cancer syndrome. Last evaluated: 2021-02-01. Review status: criteria provided, single submitter. Criteria: Invitae Variant Classification Sherloc (09022015). Collection method: clinical testing. Allele origin: germline.
Comment: For these reasons, this variant has been classified as Pathogenic. This variant has not been reported in the literature in individuals with BRCA2-related conditions. This variant is not present in population databases (ExAC no frequency). This sequence change creates a premature translational stop signal (p.Phe2130Ilefs*4) in the BRCA2 gene. It is expected to result in an absent or disrupted protein product. Loss-of-function variants in BRCA2 are known to be pathogenic (PMID: 20104584).

Literature cited by the submitters: PubMed 20104584 (cited by Labcorp Genetics (formerly Invitae), Labcorp).